The following is an entry in ClinVar:

ClinVar aggregate classification (germline): Uncertain significance (1 of 4 stars; one submission).

Conditions:
Combined oxidative phosphorylation defect type 14. Also called: Combined oxidative phosphorylation deficiency 14. Identifiers: Orphanet 319519, MedGen C4755312, MONDO:0013986, OMIM 614946.

Submission:

Labcorp Genetics (formerly Invitae), Labcorp
Classification: Uncertain significance for Combined oxidative phosphorylation defect type 14. Last evaluated: 2019-09-06. Review status: criteria provided, single submitter. Criteria: Invitae Variant Classification Sherloc (09022015). Collection method: clinical testing. Allele origin: germline.
Comment: This sequence change replaces serine with cysteine at codon 128 of the FARS2 protein (p.Ser128Cys). The serine residue is moderately conserved and there is a moderate physicochemical difference between serine and cysteine. This variant is not present in population databases (ExAC no frequency). This variant has not been reported in the literature in individuals with FARS2-related conditions. Algorithms developed to predict the effect of missense changes on protein structure and function are either unavailable or do not agree on the potential impact of this missense change (SIFT: "Deleterious"; PolyPhen-2: "Probably Damaging"; Align-GVGD: "Class C0"). In summary, the available evidence is currently insufficient to determine the role of this variant in disease. Therefore, it has been classified as a Variant of Uncertain Significance.

NM_006567.5(FARS2):c.382A>T (p.Ser128Cys)

Genes: FARS2 (phenylalanyl-tRNA synthetase 2, mitochondrial; plus strand), LOC126859565 (CDK7 strongly-dependent group 2 enhancer GRCh37_chr6:5368745-5369944; plus strand). Cytogenetic location: 6p25.1.
Variant type: single nucleotide variant.
Coding change: c.382A>T on transcript NM_006567.5 (MANE Select); coding-DNA position 382, A replaced by T.
Protein change: p.Ser128Cys; replaces serine 128 with cysteine.
Molecular consequence: missense variant. On other transcripts: intron variant (2).
Genome position (GRCh38, 1-based): chr6:5,368,952, A>T. VCF-style: chr6-5368952-A-T. GRCh37 (hg19) VCF-style: chr6-5369185-A-T.
Other names: c.382A>T, p.Ser128Cys (NM_001318872.2, NM_001374875.1, NM_001374876.1 and 5 more transcripts); c.-340-27681A>T (NM_001375260.1); c.-84-35590A>T (NM_001375259.1); short protein forms S128C.
Identifiers: ClinVar variation 960025 (VCV000960025.10), dbSNP rs1758856343, ClinGen allele CA362735168.